The following is an entry in ClinVar:

NM_002227.4(JAK1):c.599A>G (p.Tyr200Cys)

Gene: JAK1 (Janus kinase 1; minus strand). Cytogenetic location: 1p31.3.
Variant type: single nucleotide variant.
Coding change: c.599A>G on transcript NM_002227.4 (MANE Select); coding-DNA position 599, A replaced by G.
Protein change: p.Tyr200Cys; replaces tyrosine 200 with cysteine.
Molecular consequence: missense variant.
Genome position (GRCh38, 1-based): chr1:64,869,359, T>C on the plus strand (A>G on the coding strand, the complement: JAK1 is on the minus strand). VCF-style: chr1-64869359-T-C. GRCh37 (hg19) VCF-style: chr1-65335042-T-C.
Other names: c.599A>G, p.Tyr200Cys (NM_001320923.2, NM_001321852.2, NM_001321853.2 and 4 more transcripts); short protein forms Y200C.
Identifiers: ClinVar variation 2753203 (VCV002753203.3), dbSNP rs777751808, ClinGen allele CA340676859.

ClinVar aggregate classification (germline): Uncertain significance (1 of 4 stars; one submission).

Allele frequency attached by ClinVar (database versions not stated): gnomAD exomes below 0.00001; TOPMed below 0.00001.
gnomAD v4.1: 2 of 1,614,094 alleles (0.00012%); highest among the groups gnomAD compares: Non-Finnish European, 0.00017%; no homozygotes.

Submission:

Labcorp Genetics (formerly Invitae), Labcorp
Classification: Uncertain significance. Last evaluated: 2023-08-16. Review status: criteria provided, single submitter. Criteria: Invitae Variant Classification Sherloc (09022015). Collection method: clinical testing. Allele origin: germline.
Comment: This sequence change replaces tyrosine, which is neutral and polar, with cysteine, which is neutral and slightly polar, at codon 200 of the JAK1 protein (p.Tyr200Cys). This variant is not present in population databases (gnomAD no frequency). This variant has not been reported in the literature in individuals affected with JAK1-related conditions. Advanced modeling of protein sequence and biophysical properties (such as structural, functional, and spatial information, amino acid conservation, physicochemical variation, residue mobility, and thermodynamic stability) performed at Invitae indicates that this missense variant is not expected to disrupt JAK1 protein function. In summary, the available evidence is currently insufficient to determine the role of this variant in disease. Therefore, it has been classified as a Variant of Uncertain Significance.